The following is an entry in ClinVar:

NM_006445.4(PRPF8):c.3299+14T>C

Gene: PRPF8 (pre-mRNA processing factor 8; minus strand). Cytogenetic location: 17p13.3.
Variant type: single nucleotide variant.
Coding change: c.3299+14T>C on transcript NM_006445.4 (MANE Select); 14 bases into the intron after coding-DNA position 3299, T replaced by C.
Molecular consequence: intron variant.
Genome position (GRCh38, 1-based): chr17:1,674,428, A>G on the plus strand (T>C on the coding strand, the complement: PRPF8 is on the minus strand). VCF-style: chr17-1674428-A-G. GRCh37 (hg19) VCF-style: chr17-1577722-A-G.
Identifiers: ClinVar variation 321893 (VCV000321893.23), dbSNP rs16951071, ClinGen allele CA8271934.
Genomic context (GRCh38, chr17:1,674,428, plus strand): 5'-TACAATAGCTGATTTCAGAGGCAAAGCACATGCCTCAGTACCCTGCAAGGCTAGGAATCC[A>G]GGAAAGCCCTCACCTGAAAAAAATATGGATGCGATCAATGTATCTGCAGAAGAGACGGAT-3'

ClinVar aggregate classification (germline): Benign. Review status: criteria provided, multiple submitters, no conflicts (2 of 4 stars). 4 submissions from 4 submitters: Benign (4). Last evaluated 2026-01-27.

Conditions:
Retinitis pigmentosa (RP). Identifiers: Orphanet 791, MedGen C0035334, MeSH D012174, MONDO:0019200, OMIM 268000. Inheritance: Autosomal dominant, autosomal recessive and X linked inheritance.
Retinitis pigmentosa 13 (RP13). Also called: PRPF 8-Related Retinitis Pigmentosa. Identifiers: Orphanet 791, MedGen C1838702, MONDO:0010806, OMIM 600059.

Allele frequency attached by ClinVar (database versions not stated): 1000 Genomes Project 0.01198; 1000 Genomes Project 30x 0.01280; gnomAD 0.01351 and 0.01464; TOPMed 0.01529; ESP Exome Variant Server 0.01715; gnomAD exomes 0.00346; ExAC 0.00428.
gnomAD v4.1: 4,047 of 1,612,366 alleles (0.25%); highest among the groups gnomAD compares: African/African-American, 4.8%; 87 homozygotes.

Submissions (4):

Labcorp Genetics (formerly Invitae), Labcorp
Classification: Benign. Last evaluated: 2026-01-27. Review status: criteria provided, single submitter. Criteria: Invitae Variant Classification Sherloc (09022015). Collection method: clinical testing. Allele origin: germline.

ARUP Laboratories, Molecular Genetics and Genomics, ARUP Laboratories
Classification: Benign for Retinitis pigmentosa 13. Last evaluated: 2023-11-29. Review status: criteria provided, single submitter. Criteria: ARUP Molecular Germline Variant Investigation Process 2024. Collection method: clinical testing. Allele origin: germline.

Illumina Laboratory Services, Illumina
Classification: Benign for Retinitis pigmentosa. Last evaluated: 2018-01-12. Review status: criteria provided, single submitter. Criteria: ICSL Variant Classification Criteria 13 December 2019. Collection method: clinical testing. Allele origin: germline.
Comment: This variant was observed in the ICSL laboratory as part of a predisposition screen in an ostensibly healthy population. It had not been previously curated by ICSL or reported in the Human Gene Mutation Database (HGMD: prior to June 1st, 2018), and was therefore a candidate for classification through an automated scoring system. Utilizing variant allele frequency, disease prevalence and penetrance estimates, and inheritance mode, an automated score was calculated to assess if this variant is too frequent to cause the disease. Based on the score and internal cut-off values, a variant classified as benign is not then subjected to further curation. The score for this variant resulted in a classification of benign for this disease.

Breakthrough Genomics
Classification: Benign. Review status: criteria provided, single submitter. Criteria: ACMG Guidelines, 2015. Collection method: not provided. Allele origin: germline. Inheritance: Autosomal dominant inheritance. Affected: yes.